The following is an entry in ClinVar:

NM_005222.4(DLX6):c.99_119del (p.Gln38_Gln44del)

Genes: DLX6 (distal-less homeobox 6; plus strand), DLX6-AS1 (DLX6 antisense RNA 1; minus strand). Cytogenetic location: 7q21.3.
Variant type: Deletion.
Coding change: c.99_119del on transcript NM_005222.4 (MANE Select); coding-DNA positions 99 to 119, 21 bases deleted (ACAGCAGCAGCAGCAGCAGCA).
Protein change: p.Gln38_Gln44del.
Molecular consequence: inframe deletion.
Genome position (GRCh38, 1-based): chr7:97,006,076-97,006,096, ACAGCAGCAGCAGCAGCAGCA deleted; deleting any 21 consecutive bases within chr7:97,006,056-97,006,096 gives the same sequence; the c. name uses the placement nearest the transcript's 3' end. VCF-style (leftmost placement, unchanged base first): chr7-97006055-GCAGCAGCAGCAGCAGCAGCAA-G. GRCh37 (hg19) VCF-style: chr7-96635367-GCAGCAGCAGCAGCAGCAGCAA-G.
Identifiers: ClinVar variation 1498979 (VCV001498979.8), dbSNP rs762924495, ClinGen allele CA4353685.

ClinVar aggregate classification (germline): Uncertain significance (1 of 4 stars; one submission).

Submission:

Labcorp Genetics (formerly Invitae), Labcorp
Classification: Uncertain significance. Last evaluated: 2025-07-28. Review status: criteria provided, single submitter. Criteria: Invitae Variant Classification Sherloc (09022015). Collection method: clinical testing. Allele origin: germline.
Comment: This variant, c.99_119del, results in the deletion of 7 amino acid(s) of the DLX6 protein (p.Gln38_Gln44del), but otherwise preserves the integrity of the reading frame. The frequency data for this variant in the population databases is considered unreliable, as metrics indicate poor data quality at this position in the gnomAD database. This variant has not been reported in the literature in individuals affected with DLX6-related conditions. ClinVar contains an entry for this variant (Variation ID: 1498979). Experimental studies and prediction algorithms are not available or were not evaluated, and the functional significance of this variant is currently unknown. In summary, the available evidence is currently insufficient to determine the role of this variant in disease. Therefore, it has been classified as a Variant of Uncertain Significance.